The following is an entry in ClinVar:

NM_007194.4(CHEK2):c.1078G>A (p.Glu360Lys)

Gene: CHEK2 (checkpoint kinase 2; minus strand). Cytogenetic location: 22q12.1.
Variant type: single nucleotide variant.
Coding change: c.1078G>A on transcript NM_007194.4 (MANE Select); coding-DNA position 1078, G replaced by A.
Protein change: p.Glu360Lys; replaces glutamic acid 360 with lysine.
Molecular consequence: missense variant. On other transcripts: intron variant (3).
Genome position (GRCh38, 1-based): chr22:28,696,918, C>T on the plus strand (G>A on the coding strand, the complement: CHEK2 is on the minus strand). VCF-style: chr22-28696918-C-T. GRCh37 (hg19) VCF-style: chr22-29092906-C-T.
Other names: c.1207G>A, p.Glu403Lys (NM_001005735.3); c.415G>A, p.Glu139Lys (NM_001257387.3, NM_001437942.1); c.877G>A, p.Glu293Lys (NM_001349956.3); c.1171G>A, p.Glu391Lys (NM_001438293.1); c.1009-1045G>A (NM_145862.3); c.1102-1045G>A (NM_001438295.1); c.1138-1045G>A (NM_001438294.1); short protein forms E360K, E139K, E403K, E293K, E391K.
Identifiers: ClinVar variation 230025 (VCV000230025.32), dbSNP rs876658337, ClinGen allele CA10581056.

ClinVar aggregate classification (germline): Conflicting classifications of pathogenicity. Review status: criteria provided, conflicting classifications (1 of 4 stars). 11 submissions from 11 submitters: Uncertain significance (9); Likely benign (1). 1 of the submissions does not count toward it. Last evaluated 2026-09-08.

Conditions:
Hereditary cancer-predisposing syndrome. Also called: Hereditary neoplastic syndrome; Hereditary Cancer Syndrome; Neoplastic Syndromes, Hereditary; Tumor predisposition. Identifiers: Orphanet 140162, MedGen C0027672, MeSH D009386, MONDO:0015356.
Hereditary breast ovarian cancer syndrome. Also called: Hereditary breast and ovarian cancer syndrome; Breast and ovarian cancer; Hereditary breast and ovarian cancer; Hereditary breast and ovarian cancer syndrome (HBOC); BRCA1- and BRCA2-Associated Hereditary Breast and Ovarian Cancer; Hereditary breast and/or ovarian cancer syndrome. Identifiers: Orphanet 145, MedGen C0677776, MeSH D061325, MONDO:0003582. Disease mechanism: loss of function.
Hereditary nonpolyposis colon cancer (HNPCC). Also called: Hereditary Nonpolyposis Colorectal Cancer Syndrome; Hereditary nonpolyposis colorectal cancer; Familial nonpolyposis colon cancer. Identifiers: Orphanet 443909, MedGen C1333990, MONDO:0018630. Disease mechanism: loss of function.
Bone osteosarcoma. Also called: Osteosarcoma, somatic. Identifiers: Orphanet 668, MedGen C0585442, MONDO:0002629, OMIM 259500.
CHEK2-related cancer predisposition (TPDS4). Also called: CANCER PREDISPOSITION SYNDROME, CHEK2-RELATED; TUMOR PREDISPOSITION SYNDROME 4; CHEK2-related cancer susceptibility. Identifiers: Orphanet 524, MedGen C5882668, MONDO:0700271, OMIM 609265.
Prostate cancer. Also called: Malignant tumor of prostate. Identifiers: Orphanet 1331, MedGen C0376358, MONDO:0008315, HP:0012125.
Familial cancer of breast. Also called: hereditary breast carcinoma; BREAST CANCER, FAMILIAL; Hereditary breast cancer. Identifiers: Orphanet 227535, MedGen C0346153, MONDO:0016419, OMIM 114480. Disease mechanism: loss of function.

Allele frequency attached by ClinVar (database versions not stated): gnomAD exomes 0.00001.

Submissions (11):

German Consortium for Hereditary Breast and Ovarian Cancer, University Hospital Cologne
Classification: Likely benign for Hereditary breast ovarian cancer syndrome. Last evaluated: 2026-09-08. Review status: criteria provided, single submitter. Criteria: ACMG SVI. Collection method: curation. Allele origin: germline.
Comment: This classification follows the ACMG SVI adaptation classification scheme; We chose these criteria: BP4 (supporting benign): REVEL = 0.098 (thus < 0.290 as per Pejaver (2022, PMID: 36413997) & Splice AI < 0.1, BS3 (supporting benign): Stolarova et al (2023, PMID: 37449874): CHK2: WT KAP1: IM + McCarthy-Leo et al (2024, PMID: 39146382): Tolerated + Gebbia et al (2024, PMID: 39642869): Benign Supporting;

Labcorp Genetics (formerly Invitae), Labcorp
Classification: Uncertain significance for Familial cancer of breast. Last evaluated: 2026-01-21. Review status: criteria provided, single submitter. Criteria: Invitae Variant Classification Sherloc (09022015). Collection method: clinical testing. Allele origin: germline.
Comment: This sequence change replaces glutamic acid, which is acidic and polar, with lysine, which is basic and polar, at codon 360 of the CHEK2 protein (p.Glu360Lys). This variant is not present in population databases (gnomAD no frequency). This variant has not been reported in the literature in individuals affected with CHEK2-related conditions. ClinVar contains an entry for this variant (Variation ID: 230025). An algorithm developed to predict the effect of missense changes on protein structure and function (PolyPhen-2) suggests that this variant is likely to be tolerated. Algorithms developed to predict the effect of sequence changes on RNA splicing suggest that this variant may disrupt the consensus splice site. In summary, the available evidence is currently insufficient to determine the role of this variant in disease. Therefore, it has been classified as a Variant of Uncertain Significance.

Ambry Genetics
Classification: Uncertain significance for Hereditary cancer-predisposing syndrome. Last evaluated: 2025-07-17. Review status: criteria provided, single submitter. Criteria: Ambry Variant Classification Scheme 2023. Collection method: clinical testing. Allele origin: germline.
Comment: The p.E360K variant (also known as c.1078G>A), located in coding exon 9 of the CHEK2 gene, results from a G to A substitution at nucleotide position 1078. The glutamic acid at codon 360 is replaced by lysine, an amino acid with similar properties. Mini-gene assay demonstrates that this variant results in incomplete aberrant splicing, leading to in-frame CDS10 skipping (Sanoguera-Miralles L et al. J Pathol, 2024 Apr;262:395-409). This amino acid position is highly conserved in available vertebrate species. In silico splice site analysis predicts that this alteration will not have any significant effect on splicing. In addition, this alteration is predicted to be tolerated by in silico analysis. Based on the available evidence, the clinical significance of this variant remains unclear.

GeneDx
Classification: Uncertain significance. Last evaluated: 2024-12-16. Review status: criteria provided, single submitter. Criteria: GeneDx Variant Classification Process June 2021. Collection method: clinical testing. Allele origin: germline. Affected: yes.
Comment: Not observed at significant frequency in large population cohorts (gnomAD); In silico analysis indicates that this missense variant does not alter protein structure/function; Observed in individuals with breast cancer and absent in control participants (PMID: 33471991); Published functional studies demonstrate increased production of aberrant transcripts compared to wildtype, but with retained production of the full length transcript in a minigene assay; the clinical significance of these results is unclear (PMID: 38332730); This variant is associated with the following publications: (PMID: 22419737, 19782031, 33471991, 38332730)

Color Diagnostics, LLC DBA Color Health
Classification: Uncertain significance for Hereditary cancer-predisposing syndrome. Last evaluated: 2023-06-14. Review status: criteria provided, single submitter. Criteria: ACMG Guidelines, 2015. Collection method: clinical testing. Allele origin: germline.
Comment: This missense variant replaces glutamic acid with lysine at codon 360 of the CHEK2 protein. Computational prediction suggests that this variant may not impact protein structure and function (internally defined REVEL score threshold <= 0.5, PMID: 27666373). To our knowledge, functional studies have not been reported for this variant. This variant has been reported in two individuals affected with breast cancer (PMID: 33471991; Leiden Open Variation Database DB-ID CHEK2_000368). This variant has not been identified in the general population by the Genome Aggregation Database (gnomAD). The available evidence is insufficient to determine the role of this variant in disease conclusively. Therefore, this variant is classified as a Variant of Uncertain Significance.

Myriad Genetics, Inc.
Classification: Uncertain significance for Familial cancer of breast. Last evaluated: 2023-03-08. Review status: criteria provided, single submitter. Criteria: Myriad Autosomal Dominant, Autosomal Recessive and X-Linked Classification Criteria (2023). Collection method: clinical testing. Allele origin: unknown.
Comment: This variant is classified as a variant of uncertain significance as there is insufficient evidence to determine its impact on protein function and/or cancer risk.

Department of Pathology and Laboratory Medicine, Sinai Health System
Classification: Uncertain significance for hereditary nonpolyposis colon cancer. Last evaluated: 2022-12-22. Review status: criteria provided, single submitter. Criteria: ACMG Guidelines, 2015. Collection method: clinical testing. Allele origin: germline.

Blueprint Genetics
Classification: Uncertain significance. Last evaluated: 2022-10-20. Review status: criteria provided, single submitter. Criteria: ACMG Guidelines, 2015. Collection method: clinical testing. Allele origin: germline.

Quest Diagnostics Nichols Institute San Juan Capistrano
Classification: Uncertain significance. Last evaluated: 2019-05-30. Review status: criteria provided, single submitter. Criteria: Quest Diagnostics criteria. Collection method: clinical testing. Allele origin: germline.

Fulgent Genetics
Classification: Uncertain significance for Familial cancer of breast; Familial prostate cancer; Bone osteosarcoma; CHEK2-related cancer predisposition. Last evaluated: 2018-10-31. Review status: criteria provided, single submitter. Criteria: ACMG Guidelines, 2015. Collection method: clinical testing. Allele origin: unknown.

Counsyl
Classification: Uncertain significance for Familial cancer of breast. Last evaluated: 2017-07-05. Review status: no assertion criteria provided. Collection method: clinical testing. Allele origin: unknown. Not counted in ClinVar's aggregate classification.

Literature cited by the submitters: PubMed 38332730 (cited by Ambry Genetics); PubMed 33471991 (cited by Color Diagnostics, LLC DBA Color Health).